The following is an entry in ClinVar:

ClinVar aggregate classification (germline): Uncertain significance. Review status: criteria provided, multiple submitters, no conflicts (2 of 4 stars). 3 submissions from 3 submitters: Uncertain significance (3). Last evaluated 2025-11-07.

Conditions:
Proteinuria, chronic benign. Identifiers: MedGen C5394384, MONDO:0030042, OMIM 618884.
Imerslund-Grasbeck syndrome type 1 (IGS1). Also called: Megaloblastic anemia 1, Finnish type; Imerslund-Gräsbeck syndrome 1; MEGALOBLASTIC ANEMIA, 1. Identifiers: MedGen C4016819, MONDO:0100156, OMIM 261100.
Imerslund-Grasbeck syndrome. Also called: Imerslund-Gräsbeck syndrome; ENTEROCYTE COBALAMIN MALABSORPTION; ENTEROCYTE INTRINSIC FACTOR RECEPTOR, DEFECT OF; PERNICIOUS ANEMIA, JUVENILE, DUE TO SELECTIVE INTESTINAL MALABSORPTION OF VITAMIN B12, WITH PROTEINURIA; Megaloblastic anemia due to inborn errors of metabolism. Identifiers: Orphanet 35858, MedGen C4551825, MONDO:0009853.

gnomAD v4.1: 78 of 1,613,950 alleles (0.0048%); highest among the groups gnomAD compares: South Asian, 0.011%; no homozygotes.

Submissions (3):

Labcorp Genetics (formerly Invitae), Labcorp
Classification: Uncertain significance for Imerslund-Grasbeck syndrome. Last evaluated: 2025-11-07. Review status: criteria provided, single submitter. Criteria: Invitae Variant Classification Sherloc (09022015). Collection method: clinical testing. Allele origin: germline.
Comment: This sequence change replaces proline, which is neutral and non-polar, with leucine, which is neutral and non-polar, at codon 2469 of the CUBN protein (p.Pro2469Leu). This variant is present in population databases (rs202229367, gnomAD 0.01%). This variant has not been reported in the literature in individuals affected with CUBN-related conditions. ClinVar contains an entry for this variant (Variation ID: 1033272). Invitae Evidence Modeling of protein sequence and biophysical properties (such as structural, functional, and spatial information, amino acid conservation, physicochemical variation, residue mobility, and thermodynamic stability) indicates that this missense variant is not expected to disrupt CUBN protein function with a negative predictive value of 80%. In summary, the available evidence is currently insufficient to determine the role of this variant in disease. Therefore, it has been classified as a Variant of Uncertain Significance.

Fulgent Genetics
Classification: Uncertain significance for Imerslund-Grasbeck syndrome type 1; Proteinuria, chronic benign. Last evaluated: 2024-02-27. Review status: criteria provided, single submitter. Criteria: ACMG Guidelines, 2015. Collection method: clinical testing. Allele origin: germline.

Baylor Genetics
Classification: Uncertain significance for Imerslund-Grasbeck syndrome type 1. Last evaluated: 2018-03-16. Review status: criteria provided, single submitter. Criteria: ACMG Guidelines, 2015. Collection method: clinical testing. Allele origin: unknown. Affected: yes.
Comment: This variant was determined to be of uncertain significance according to ACMG Guidelines, 2015 [PMID:25741868].

NM_001081.4(CUBN):c.7406C>T (p.Pro2469Leu)

Gene: CUBN (cubilin; minus strand). Cytogenetic location: 10p13.
Variant type: single nucleotide variant.
Coding change: c.7406C>T on transcript NM_001081.4 (MANE Select); coding-DNA position 7406, C replaced by T.
Protein change: p.Pro2469Leu; replaces proline 2469 with leucine.
Molecular consequence: missense variant.
Genome position (GRCh38, 1-based): chr10:16,913,938, G>A on the plus strand (C>T on the coding strand, the complement: CUBN is on the minus strand). VCF-style: chr10-16913938-G-A. GRCh37 (hg19) VCF-style: chr10-16955937-G-A.
Other names: short protein forms P2469L.
Identifiers: ClinVar variation 1033272 (VCV001033272.4), dbSNP rs202229367, ClinGen allele CA5423372.